The following is an entry in ClinVar:

NM_000548.5(TSC2):c.1994C>T (p.Pro665Leu)

Gene: TSC2 (TSC complex subunit 2; plus strand). Cytogenetic location: 16p13.3.
Variant type: single nucleotide variant.
Coding change: c.1994C>T on transcript NM_000548.5 (MANE Select); coding-DNA position 1994, C replaced by T.
Protein change: p.Pro665Leu; replaces proline 665 with leucine.
Molecular consequence: missense variant.
Genome position (GRCh38, 1-based): chr16:2,071,831, C>T. VCF-style: chr16-2071831-C-T. GRCh37 (hg19) VCF-style: chr16-2121832-C-T.
Other names: c.1994C>T, p.Pro665Leu (NM_001077183.3, NM_001114382.3, NM_001363528.2 and 6 more transcripts); c.1883C>T, p.Pro628Leu (NM_001318827.2, NM_001406670.1, NM_001406678.1); c.1847C>T, p.Pro616Leu (NM_001318829.2, NM_001406675.1, NM_001406676.1 and 1 more transcripts); c.1394C>T, p.Pro465Leu (NM_001318831.2, NM_001406682.1, NM_001406683.1 and 6 more transcripts); c.2027C>T, p.Pro676Leu (NM_001318832.2); c.2084C>T, p.Pro695Leu (NM_001406667.1, NM_001406668.1); c.650C>T, p.Pro217Leu (NM_001406689.1, NM_001406690.1, NM_001406691.1 and 6 more transcripts); c.392C>T, p.Pro131Leu (NM_001406698.1); and 3 more; short protein forms P465L, P616L, P646L, P676L, P217L, P511L, P665L, P661L.
Identifiers: ClinVar variation 1784028 (VCV001784028.7), dbSNP rs2088458769, ClinGen allele CA394274421.

ClinVar aggregate classification (germline): Uncertain significance. Review status: criteria provided, multiple submitters, no conflicts (2 of 4 stars). 2 submissions from 2 submitters: Uncertain significance (2). Last evaluated 2023-12-06.

Conditions:
Tuberous sclerosis 2 (TSC2). Identifiers: Orphanet 805, MedGen C1860707, MONDO:0013199, OMIM 613254.
Hereditary cancer-predisposing syndrome. Also called: Tumor predisposition; Neoplastic Syndromes, Hereditary; Hereditary Cancer Syndrome; Hereditary neoplastic syndrome. Identifiers: Orphanet 140162, MedGen C0027672, MeSH D009386, MONDO:0015356.

Allele frequency attached by ClinVar (database versions not stated): gnomAD exomes below 0.00001.
gnomAD v4.1: 1 of 1,596,454 alleles (0.000063%); highest among the groups gnomAD compares: Non-Finnish European, 0.000085%; no homozygotes.

Submissions (2):

Labcorp Genetics (formerly Invitae), Labcorp
Classification: Uncertain significance for Tuberous sclerosis 2. Last evaluated: 2023-12-06. Review status: criteria provided, single submitter. Criteria: Invitae Variant Classification Sherloc (09022015). Collection method: clinical testing. Allele origin: germline.
Comment: This sequence change replaces proline, which is neutral and non-polar, with leucine, which is neutral and non-polar, at codon 665 of the TSC2 protein (p.Pro665Leu). This variant is not present in population databases (gnomAD no frequency). This variant has not been reported in the literature in individuals affected with TSC2-related conditions. ClinVar contains an entry for this variant (Variation ID: 1784028). Advanced modeling of protein sequence and biophysical properties (such as structural, functional, and spatial information, amino acid conservation, physicochemical variation, residue mobility, and thermodynamic stability) performed at Invitae indicates that this missense variant is not expected to disrupt TSC2 protein function with a negative predictive value of 95%. Algorithms developed to predict the effect of sequence changes on RNA splicing suggest that this variant may disrupt the consensus splice site. In summary, the available evidence is currently insufficient to determine the role of this variant in disease. Therefore, it has been classified as a Variant of Uncertain Significance.

Ambry Genetics
Classification: Uncertain significance for Hereditary cancer-predisposing syndrome. Last evaluated: 2022-05-09. Review status: criteria provided, single submitter. Criteria: Ambry Variant Classification Scheme 2023. Collection method: clinical testing. Allele origin: germline.
Comment: The p.P665L variant (also known as c.1994C>T), located in coding exon 18 of the TSC2 gene, results from a C to T substitution at nucleotide position 1994. The proline at codon 665 is replaced by leucine, an amino acid with similar properties. This amino acid position is conserved. In addition, the in silico prediction for this alteration is inconclusive. Since supporting evidence is limited at this time, the clinical significance of this alteration remains unclear.